The following is an entry in ClinVar:

ClinVar aggregate classification (germline): Uncertain significance. Review status: criteria provided, multiple submitters, no conflicts (2 of 4 stars). 2 submissions from 2 submitters: Uncertain significance (2). Last evaluated 2025-01-19.

Conditions:
Autosomal recessive limb-girdle muscular dystrophy type 2J (LGMDR10). Also called: Limb-girdle muscular dystrophy, type 2J; MUSCULAR DYSTROPHY, LIMB-GIRDLE, AUTOSOMAL RECESSIVE 10. Identifiers: Orphanet 140922, MedGen C1837342, MONDO:0012127, OMIM 608807.
Dilated cardiomyopathy 1G (CMD1G). Identifiers: Orphanet 154, MedGen C1858763, MONDO:0011400, OMIM 604145.

gnomAD v4.1: 2 of 1,613,958 alleles (0.00012%); highest among the groups gnomAD compares: Admixed American, 0.0017%; no homozygotes.

Submissions (2):

Revvity Omics, Revvity
Classification: Uncertain significance. Last evaluated: 2025-01-19. Review status: criteria provided, single submitter. Criteria: ACMG Guidelines, 2015. Collection method: clinical testing. Allele origin: germline.

Labcorp Genetics (formerly Invitae), Labcorp
Classification: Uncertain significance for Dilated cardiomyopathy 1G; Autosomal recessive limb-girdle muscular dystrophy type 2J. Last evaluated: 2024-08-19. Review status: criteria provided, single submitter. Criteria: Invitae Variant Classification Sherloc (09022015). Collection method: clinical testing. Allele origin: germline.
Comment: This sequence change replaces cysteine, which is neutral and slightly polar, with arginine, which is basic and polar, at codon 34157 of the TTN protein (p.Cys34157Arg). This variant is not present in population databases (gnomAD no frequency). This variant has not been reported in the literature in individuals affected with TTN-related conditions. Experimental studies and prediction algorithms are not available or were not evaluated, and the functional significance of this variant is currently unknown. This variant is located in the M band of TTN (PMID: 25589632). Non-truncating variants in this region may be relevant for neuromuscular disorders, but have not been definitively shown to cause cardiomyopathy (PMID: 23975875). In summary, the available evidence is currently insufficient to determine the role of this variant in disease. Therefore, it has been classified as a Variant of Uncertain Significance.

Literature cited by the submitters: PubMed 25589632 (cited by Labcorp Genetics (formerly Invitae), Labcorp); PubMed 23975875 (cited by Labcorp Genetics (formerly Invitae), Labcorp).

NM_001267550.2(TTN):c.102469T>C (p.Cys34157Arg)

Genes: TTN-AS1 (TTN antisense RNA 1; plus strand), TTN (titin; minus strand). Cytogenetic location: 2q31.2.
Variant type: single nucleotide variant.
Coding change: c.102469T>C on transcript NM_001267550.2 (MANE Select); coding-DNA position 102469, T replaced by C.
Protein change: p.Cys34157Arg; replaces cysteine 34157 with arginine.
Molecular consequence: missense variant.
Genome position (GRCh38, 1-based): chr2:178,534,146, A>G on the plus strand (T>C on the coding strand, the complement: TTN is on the minus strand). VCF-style: chr2-178534146-A-G. GRCh37 (hg19) VCF-style: chr2-179398873-A-G.
Other names: c.97546T>C, p.Cys32516Arg (NM_001256850.1); c.75274T>C, p.Cys25092Arg (NM_003319.4); c.94765T>C, p.Cys31589Arg (NM_133378.4); c.75649T>C, p.Cys25217Arg (NM_133432.3); c.75850T>C, p.Cys25284Arg (NM_133437.4); short protein forms C25092R, C25217R, C25284R, C31589R, C32516R, C34157R.
Identifiers: ClinVar variation 3752620 (VCV003752620.3).